The following is an entry in ClinVar:

NM_001128840.3(CACNA1D):c.1348C>G (p.Pro450Ala)

Gene: CACNA1D (calcium voltage-gated channel subunit alpha1 D; plus strand). Cytogenetic location: 3p21.1.
Variant type: single nucleotide variant.
Coding change: c.1348C>G on transcript NM_001128840.3 (MANE Select); coding-DNA position 1348, C replaced by G.
Protein change: p.Pro450Ala; replaces proline 450 with alanine.
Molecular consequence: missense variant.
Genome position (GRCh38, 1-based): chr3:53,702,768, C>G. VCF-style: chr3-53702768-C-G. GRCh37 (hg19) VCF-style: chr3-53736795-C-G.
Other names: c.1348C>G, p.Pro450Ala (NM_000720.4, NM_001128839.3); short protein forms P450A.
Identifiers: ClinVar variation 4741188 (VCV004741188.1).
Genomic context (GRCh38, chr3:53,702,768, plus strand): 5'-CAGCTGGAGGAGGATCTAAAGGGCTACTTGGATTGGATCACCCAAGCTGAGGACATCGAT[C>G]CGGAGAATGAGGAAGAAGGAGGAGAGGAAGGCAAACGAAATAGTATGTAGCGCCTTTCCT-3'
Protein context (NP_001122312.1, residues 440-460): DWITQAEDID[Pro450Ala]ENEEEGGEEG

ClinVar aggregate classification (germline): Uncertain significance (1 of 4 stars; one submission).

Submission:

Labcorp Genetics (formerly Invitae), Labcorp
Classification: Uncertain significance. Last evaluated: 2025-02-12. Review status: criteria provided, single submitter. Criteria: Invitae Variant Classification Sherloc (09022015). Collection method: clinical testing. Allele origin: germline.
Comment: This sequence change replaces proline, which is neutral and non-polar, with alanine, which is neutral and non-polar, at codon 450 of the CACNA1D protein (p.Pro450Ala). This variant is present in population databases (no rsID available, gnomAD 0.007%). This variant has not been reported in the literature in individuals affected with CACNA1D-related conditions. Invitae Evidence Modeling of protein sequence and biophysical properties (such as structural, functional, and spatial information, amino acid conservation, physicochemical variation, residue mobility, and thermodynamic stability) indicates that this missense variant is not expected to disrupt CACNA1D protein function with a negative predictive value of 80%. In summary, the available evidence is currently insufficient to determine the role of this variant in disease. Therefore, it has been classified as a Variant of Uncertain Significance.